The following is an entry in ClinVar:

NM_001388419.1(KALRN):c.4355C>G (p.Pro1452Arg)

Gene: KALRN (kalirin RhoGEF kinase; plus strand). Cytogenetic location: 3q21.2.
Variant type: single nucleotide variant.
Coding change: c.4355C>G on transcript NM_001388419.1 (MANE Select); coding-DNA position 4355, C replaced by G.
Protein change: p.Pro1452Arg; replaces proline 1452 with arginine.
Molecular consequence: missense variant. On other transcripts: non-coding transcript variant (2).
Genome position (GRCh38, 1-based): chr3:124,488,274, C>G. VCF-style: chr3-124488274-C-G. GRCh37 (hg19) VCF-style: chr3-124207121-C-G.
Other names: c.4349C>G, p.Pro1450Arg (NM_001024660.5, NM_001322988.2, NM_003947.6); c.4322C>G, p.Pro1441Arg (NM_001322989.2); c.4310C>G, p.Pro1437Arg (NM_001322990.2); c.4283C>G, p.Pro1428Arg (NM_001322991.2); c.4199C>G, p.Pro1400Arg (NM_001322992.2); c.2426C>G, p.Pro809Arg (NM_001388412.1, NM_001388413.1); c.2399C>G, p.Pro800Arg (NM_001388414.1); c.2387C>G, p.Pro796Arg (NM_001388415.1); and 3 more; short protein forms P1400R, P1428R, P1437R, P1441R, P1443R, P1450R, P1452R, P787R.
Identifiers: ClinVar variation 3027015 (VCV003027015.22), dbSNP rs2473787628, ClinGen allele CA354251117.

ClinVar aggregate classification (germline): Uncertain significance (1 of 4 stars; one submission).

Submission:

CeGaT Center for Human Genetics Tuebingen
Classification: Uncertain significance. Last evaluated: 2024-01-01. Review status: criteria provided, single submitter. Criteria: CeGaT Center For Human Genetics Tuebingen Variant Classification Criteria Version 2. Collection method: clinical testing. Allele origin: germline. Affected: yes. Observed: 1 variant allele.
Comment: KALRN: PM2, PP3